The following is an entry in ClinVar:

NM_000090.4(COL3A1):c.76G>A (p.Glu26Lys)

Gene: COL3A1 (collagen type III alpha 1 chain; plus strand). Cytogenetic location: 2q32.2.
Variant type: single nucleotide variant.
Coding change: c.76G>A on transcript NM_000090.4 (MANE Select); coding-DNA position 76, G replaced by A.
Protein change: p.Glu26Lys; replaces glutamic acid 26 with lysine.
Molecular consequence: missense variant.
Genome position (GRCh38, 1-based): chr2:188,974,565, G>A. VCF-style: chr2-188974565-G-A. GRCh37 (hg19) VCF-style: chr2-189839291-G-A.
Other names: short protein forms E26K.
Identifiers: ClinVar variation 4758689 (VCV004758689.2).

ClinVar aggregate classification (germline): Uncertain significance. Review status: criteria provided, multiple submitters, no conflicts (2 of 4 stars). 2 submissions from 2 submitters: Uncertain significance (2). Last evaluated 2026-01-26.

Conditions:
Familial thoracic aortic aneurysm and aortic dissection (TAAD). Also called: Thoracic aortic aneurysms and dissections. Identifiers: Orphanet 91387, MedGen C4707243, MONDO:0019625.

Submissions (2):

Ambry Genetics
Classification: Uncertain significance for Familial thoracic aortic aneurysm and aortic dissection. Last evaluated: 2026-01-26. Review status: criteria provided, single submitter. Criteria: Ambry Variant Classification Scheme 2023. Collection method: clinical testing. Allele origin: germline.

Color Diagnostics, LLC DBA Color Health
Classification: Uncertain significance for Familial thoracic aortic aneurysm and aortic dissection. Last evaluated: 2025-06-03. Review status: criteria provided, single submitter. Criteria: ACMG Guidelines, 2015. Collection method: clinical testing. Allele origin: germline.
Comment: This missense variant replaces glutamic acid with lysine at codon 26 of the COL3A1 protein. Computational prediction suggests that this variant may not impact protein structure and function. To our knowledge, functional studies have not been reported for this variant. This variant has not been reported in individuals affected with COL3A1-related disorders in the literature. This variant has not been identified in the general population by the Genome Aggregation Database (gnomAD). The available evidence is insufficient to determine the role of this variant in disease conclusively. Therefore, this variant is classified as a Variant of Uncertain Significance.